The following is an entry in ClinVar:

ClinVar aggregate classification (germline): Likely benign. Review status: criteria provided, multiple submitters, no conflicts (2 of 4 stars). 3 submissions from 3 submitters: Likely benign (3). Last evaluated 2025-11-27.

Conditions:
Arrhythmogenic cardiomyopathy with wooly hair and keratoderma. Also called: Carvajal syndrome; Dilated cardiomyopathy with woolly hair and keratoderma; Arrhythmogenic cardiomyopathy with woolly hair and keratoderma; PALMOPLANTAR KERATODERMA WITH LEFT VENTRICULAR CARDIOMYOPATHY AND WOOLLY HAIR. Identifiers: Orphanet 65282, MedGen C1854063, MONDO:0011581, OMIM 605676.
Arrhythmogenic right ventricular dysplasia 8 (ARVD8). Also called: Arrhythmogenic Right Ventricular Dysplasia/Cardiomyopathy 8; ARRHYTHMOGENIC RIGHT VENTRICULAR DYSPLASIA, FAMILIAL, 8; ARRHYTHMOGENIC RIGHT VENTRICULAR CARDIOMYOPATHY 8. Identifiers: MedGen C1843896, MONDO:0011831, OMIM 607450.
Cardiomyopathy (CMYO). Also called: Cardiomyopathies. Identifiers: Orphanet 167848, MedGen C0878544, MONDO:0004994, HP:0001638. Inheritance: Various modes of inheritance.

Allele frequency attached by ClinVar (database versions not stated): gnomAD exomes below 0.00001; gnomAD 0.00001; TOPMed 0.00001.
gnomAD v4.1: 5 of 1,614,106 alleles (0.00031%); highest among the groups gnomAD compares: Admixed American, 0.0083%; no homozygotes.

Submissions (3):

Labcorp Genetics (formerly Invitae), Labcorp
Classification: Likely benign for Arrhythmogenic cardiomyopathy with wooly hair and keratoderma; Arrhythmogenic right ventricular dysplasia 8. Last evaluated: 2025-11-27. Review status: criteria provided, single submitter. Criteria: Invitae Variant Classification Sherloc (09022015). Collection method: clinical testing. Allele origin: germline.

All of Us Research Program, National Institutes of Health
Classification: Likely benign for Arrhythmogenic cardiomyopathy with wooly hair and keratoderma. Last evaluated: 2024-09-23. Review status: criteria provided, single submitter. Criteria: ACMG Guidelines, 2015. Collection method: clinical testing. Allele origin: germline. Inheritance: Autosomal dominant inheritance. Observed: 4 variant alleles, 4 heterozygotes.
Comment: This study involves interpretation of variants in research participants for the purpose of population health screening. Participant phenotype was not available at the time of variant classification. Additional details can be found in publication PMID: 35346344, PMCID: PMC8962531

Color Diagnostics, LLC DBA Color Health
Classification: Likely benign for Cardiomyopathy. Last evaluated: 2021-03-09. Review status: criteria provided, single submitter. Criteria: ACMG Guidelines, 2015. Collection method: clinical testing. Allele origin: germline.

NM_004415.4(DSP):c.1452G>A (p.Leu484=)

Gene: DSP (desmoplakin; plus strand). Cytogenetic location: 6p24.3.
Variant type: single nucleotide variant.
Coding change: c.1452G>A on transcript NM_004415.4 (MANE Select); coding-DNA position 1452, G replaced by A.
Protein change: p.Leu484=; no amino-acid change (leucine 484 retained).
Molecular consequence: synonymous variant.
Genome position (GRCh38, 1-based): chr6:7,569,218, G>A. VCF-style: chr6-7569218-G-A. GRCh37 (hg19) VCF-style: chr6-7569451-G-A.
Other names: c.1452G>A, p.Leu484= (NM_001008844.3, NM_001319034.2).
Identifiers: ClinVar variation 1332495 (VCV001332495.12), dbSNP rs1413578599, ClinGen allele CA448522813.